The following is an entry in ClinVar:

NM_001367561.1(DOCK7):c.5693C>G (p.Pro1898Arg)

Gene: DOCK7 (dedicator of cytokinesis 7; minus strand). Cytogenetic location: 1p31.3.
Variant type: single nucleotide variant.
Coding change: c.5693C>G on transcript NM_001367561.1 (MANE Select); coding-DNA position 5693, C replaced by G.
Protein change: p.Pro1898Arg; replaces proline 1898 with arginine.
Molecular consequence: missense variant.
Genome position (GRCh38, 1-based): chr1:62,476,098, G>C on the plus strand (C>G on the coding strand, the complement: DOCK7 is on the minus strand). VCF-style: chr1-62476098-G-C. GRCh37 (hg19) VCF-style: chr1-62941769-G-C.
Other names: c.5660C>G, p.Pro1887Arg (NM_001271999.2); c.5573C>G, p.Pro1858Arg (NM_001272000.2); c.5567C>G, p.Pro1856Arg (NM_001272001.2); c.5666C>G, p.Pro1889Arg (NM_001330614.2); c.5600C>G, p.Pro1867Arg (NM_033407.4); c.5600C>G (NM_033407.2); short protein forms P1856R, P1887R, P1898R, P1889R, P1858R, P1867R.
Identifiers: ClinVar variation 934131 (VCV000934131.11), dbSNP rs747709595, ClinGen allele CA885370.

ClinVar aggregate classification (germline): Uncertain significance. Review status: criteria provided, multiple submitters, no conflicts (2 of 4 stars). 4 submissions from 4 submitters: Uncertain significance (4). Last evaluated 2026-04-06.

Conditions:
Inborn genetic diseases. Identifiers: MedGen C0950123, MeSH D030342.
Developmental and epileptic encephalopathy, 23 (DEE23). Also called: Epileptic encephalopathy, early infantile, 23. Identifiers: Orphanet 411986, MedGen C4014492, MONDO:0014371, OMIM 615859.

Allele frequency attached by ClinVar (database versions not stated): gnomAD exomes 0.00001; ExAC 0.00001; gnomAD 0.00004 and 0.00003; TOPMed 0.00001.
gnomAD v4.1: 13 of 1,613,208 alleles (0.00081%); highest among the groups gnomAD compares: Middle Eastern, 0.016%; no homozygotes.

Submissions (4):

Ambry Genetics
Classification: Uncertain significance for Inborn genetic diseases. Last evaluated: 2026-04-06. Review status: criteria provided, single submitter. Criteria: Ambry Variant Classification Scheme 2023. Collection method: clinical testing. Allele origin: germline.

Genome-Nilou Lab
Classification: Uncertain significance for Developmental and epileptic encephalopathy, 23. Last evaluated: 2023-04-11. Review status: criteria provided, single submitter. Criteria: ACMG Guidelines, 2015. Collection method: clinical testing. Allele origin: germline. Affected: no.

GeneDx
Classification: Uncertain significance. Last evaluated: 2022-06-27. Review status: criteria provided, single submitter. Criteria: GeneDx Variant Classification Process June 2021. Collection method: clinical testing. Allele origin: germline. Affected: yes.
Comment: Not observed at significant frequency in large population cohorts (gnomAD); In silico analysis supports that this missense variant has a deleterious effect on protein structure/function; Has not been previously published as pathogenic or benign to our knowledge

Labcorp Genetics (formerly Invitae), Labcorp
Classification: Uncertain significance for Developmental and epileptic encephalopathy, 23. Last evaluated: 2022-02-28. Review status: criteria provided, single submitter. Criteria: Invitae Variant Classification Sherloc (09022015). Collection method: clinical testing. Allele origin: germline.
Comment: This variant is present in population databases (rs747709595, gnomAD 0.002%). This sequence change replaces proline, which is neutral and non-polar, with arginine, which is basic and polar, at codon 1887 of the DOCK7 protein (p.Pro1887Arg). In summary, the available evidence is currently insufficient to determine the role of this variant in disease. Therefore, it has been classified as a Variant of Uncertain Significance. Algorithms developed to predict the effect of missense changes on protein structure and function are either unavailable or do not agree on the potential impact of this missense change (SIFT: "Deleterious"; PolyPhen-2: "Benign"; Align-GVGD: "Class C25"). ClinVar contains an entry for this variant (Variation ID: 934131). This variant has not been reported in the literature in individuals affected with DOCK7-related conditions.